The following is an entry in ClinVar:

ClinVar aggregate classification (germline): Uncertain significance (1 of 4 stars; one submission).

Conditions:
Naxos disease (NXD). Also called: KERATOSIS PALMOPLANTARIS WITH ARRHYTHMOGENIC CARDIOMYOPATHY; MAL DE NAXOS; PALMOPLANTAR KERATODERMA WITH ARRHYTHMOGENIC RIGHT VENTRICULAR CARDIOMYOPATHY AND WOOLLY HAIR; WOOLLY HAIR, PALMOPLANTAR KERATODERMA, AND CARDIAC ABNORMALITIES; CARDIOMYOPATHY, ARRHYTHMOGENIC RIGHT VENTRICULAR, WITH SKIN, HAIR, AND NAIL ABNORMALITIES. Identifiers: Orphanet 34217, MedGen C1832600, MONDO:0011017, OMIM 601214.
Arrhythmogenic right ventricular dysplasia 12. Also called: ARRHYTHMOGENIC RIGHT VENTRICULAR DYSPLASIA, FAMILIAL, 12. Identifiers: MedGen C1969081, MONDO:0012684, OMIM 611528.

gnomAD v4.1: 6 of 1,607,208 alleles (0.00037%); highest among the groups gnomAD compares: South Asian, 0.0056%; no homozygotes.

Submission:

Labcorp Genetics (formerly Invitae), Labcorp
Classification: Uncertain significance for Arrhythmogenic right ventricular dysplasia 12; Naxos disease. Last evaluated: 2025-04-27. Review status: criteria provided, single submitter. Criteria: Invitae Variant Classification Sherloc (09022015). Collection method: clinical testing. Allele origin: germline.
Comment: This sequence change replaces aspartic acid, which is acidic and polar, with glutamic acid, which is acidic and polar, at codon 71 of the JUP protein (p.Asp71Glu). The frequency data for this variant in the population databases is considered unreliable, as metrics indicate poor data quality at this position in the gnomAD database. This variant has not been reported in the literature in individuals affected with JUP-related conditions. An algorithm developed to predict the effect of missense changes on protein structure and function (PolyPhen-2) suggests that this variant is likely to be tolerated. In summary, the available evidence is currently insufficient to determine the role of this variant in disease. Therefore, it has been classified as a Variant of Uncertain Significance.

NM_002230.4(JUP):c.213T>A (p.Asp71Glu)

Gene: JUP (junction plakoglobin; minus strand). Cytogenetic location: 17q21.2.
Variant type: single nucleotide variant.
Coding change: c.213T>A on transcript NM_002230.4 (MANE Select); coding-DNA position 213, T replaced by A.
Protein change: p.Asp71Glu; replaces aspartic acid 71 with glutamic acid.
Molecular consequence: missense variant.
Genome position (GRCh38, 1-based): chr17:41,769,673, A>T on the plus strand (T>A on the coding strand, the complement: JUP is on the minus strand). VCF-style: chr17-41769673-A-T. GRCh37 (hg19) VCF-style: chr17-39925925-A-T.
Other names: c.213T>A, p.Asp71Glu (NM_001352773.2, NM_001352774.2, NM_001352775.2 and 3 more transcripts); short protein forms D71E.
Identifiers: ClinVar variation 4788346 (VCV004788346.1).